The following is an entry in ClinVar:

ClinVar aggregate classification (germline): Uncertain significance (1 of 4 stars; one submission).

Allele frequency attached by ClinVar (database versions not stated): ExAC 0.00003; gnomAD exomes 0.00004; TOPMed 0.00004; gnomAD 0.00005.

Submission:

Labcorp Genetics (formerly Invitae), Labcorp
Classification: Uncertain significance. Last evaluated: 2024-04-10. Review status: criteria provided, single submitter. Criteria: Invitae Variant Classification Sherloc (09022015). Collection method: clinical testing. Allele origin: germline.
Comment: This sequence change replaces arginine, which is basic and polar, with cysteine, which is neutral and slightly polar, at codon 4604 of the HMCN1 protein (p.Arg4604Cys). This variant is present in population databases (rs768122891, gnomAD 0.01%). This variant has not been reported in the literature in individuals affected with HMCN1-related conditions. ClinVar contains an entry for this variant (Variation ID: 2150342). An algorithm developed to predict the effect of missense changes on protein structure and function (PolyPhen-2) suggests that this variant is likely to be tolerated. In summary, the available evidence is currently insufficient to determine the role of this variant in disease. Therefore, it has been classified as a Variant of Uncertain Significance.

NM_031935.3(HMCN1):c.13810C>T (p.Arg4604Cys)

Gene: HMCN1 (hemicentin 1; plus strand). Cytogenetic location: 1q31.1.
Variant type: single nucleotide variant.
Coding change: c.13810C>T on transcript NM_031935.3 (MANE Select); coding-DNA position 13810, C replaced by T.
Protein change: p.Arg4604Cys; replaces arginine 4604 with cysteine.
Molecular consequence: missense variant.
Genome position (GRCh38, 1-based): chr1:186,137,858, C>T. VCF-style: chr1-186137858-C-T. GRCh37 (hg19) VCF-style: chr1-186106990-C-T.
Other names: short protein forms R4604C.
Identifiers: ClinVar variation 2150342 (VCV002150342.4), dbSNP rs768122891, ClinGen allele CA1294763.